The following is an entry in ClinVar:

NM_173841.3(IL1RN):c.11-1G>T

Gene: IL1RN (interleukin 1 receptor antagonist; plus strand). Cytogenetic location: 2q14.1.
Variant type: single nucleotide variant.
Coding change: c.11-1G>T on transcript NM_173841.3; the canonical splice acceptor site of the intron before coding-DNA position 11, G replaced by T.
Molecular consequence: splice acceptor variant. On other transcripts: intron variant (2).
Genome position (GRCh38, 1-based): chr2:113,120,065, G>T. VCF-style: chr2-113120065-G-T. GRCh37 (hg19) VCF-style: chr2-113877642-G-T.
Other names: c.-272-1G>T (NM_001318914.2); c.-209-1383G>T (NM_173843.3); c.10+2037G>T (NM_000577.5).
Identifiers: ClinVar variation 4540658 (VCV004540658.1).

ClinVar aggregate classification (germline): Uncertain significance (1 of 4 stars; one submission).

Submission:

Mayo Clinic Laboratories, Mayo Clinic
Classification: Uncertain significance. Last evaluated: 2025-10-24. Review status: criteria provided, single submitter. Criteria: ACMG Guidelines, 2015. Collection method: clinical testing. Allele origin: germline. Observed: 1 variant allele.
Comment: PM2_supporting, PVS1_strong